The following is an entry in ClinVar:

ClinVar aggregate classification (germline): Likely benign (0 of 4 stars; one submission).

Conditions:
ARSD-related disorder. Also called: ARSD-related condition.

Allele frequency attached by ClinVar (database versions not stated): ExAC 0.00012.

Submission:

PreventionGenetics, part of Exact Sciences
Classification: Likely benign for ARSD-related condition. Last evaluated: 2020-07-31. Review status: no assertion criteria provided. Collection method: clinical testing. Allele origin: germline.
Comment: This variant is classified as likely benign based on ACMG/AMP sequence variant interpretation guidelines (Richards et al. 2015 PMID: 25741868, with internal and published modifications).

NM_001669.4(ARSD):c.954G>T (p.Gln318His)

Gene: ARSD (arylsulfatase D; minus strand). Cytogenetic location: Xp22.33.
Variant type: single nucleotide variant.
Coding change: c.954G>T on transcript NM_001669.4 (MANE Select); coding-DNA position 954, G replaced by T.
Protein change: p.Gln318His; replaces glutamine 318 with histidine.
Molecular consequence: missense variant.
Genome position (GRCh38, 1-based): chrX:2,915,602, C>A on the plus strand (G>T on the coding strand, the complement: ARSD is on the minus strand). VCF-style: chrX-2915602-C-A. GRCh37 (hg19) VCF-style: chrX-2833643-C-A.
Other names: c.954G>T, p.Gln318His (NM_009589.5); short protein forms Q318H.
Identifiers: ClinVar variation 3059011 (VCV003059011.2), dbSNP rs115332247, ClinGen allele CA10337618.